The following is an entry in ClinVar:

ClinVar aggregate classification (germline): Likely benign. Review status: criteria provided, single submitter (1 of 4 stars). 2 submissions from 2 submitters: Likely benign (1). 1 of the submissions does not count toward it. Last evaluated 2024-11-06.

Conditions:
ASH1L-related disorder. Also called: ASH1L-related condition.

gnomAD v4.1: 4 of 1,613,774 alleles (0.00025%); highest among the groups gnomAD compares: Admixed American, 0.0033%; no homozygotes.

Submissions (2):

Blueprint Genetics
Classification: Likely benign. Last evaluated: 2024-11-06. Review status: criteria provided, single submitter. Criteria: ACMG Guidelines, 2015. Collection method: clinical testing. Allele origin: germline.

PreventionGenetics, part of Exact Sciences
Classification: Likely benign for ASH1L-related condition. Last evaluated: 2024-08-09. Review status: no assertion criteria provided. Collection method: clinical testing. Allele origin: germline. Not counted in ClinVar's aggregate classification.
Comment: This variant is classified as likely benign based on ACMG/AMP sequence variant interpretation guidelines (Richards et al. 2015 PMID: 25741868, with internal and published modifications).

NM_018489.3(ASH1L):c.3867A>G (p.Ala1289=)

Gene: ASH1L (ASH1 like histone lysine methyltransferase; minus strand). Cytogenetic location: 1q22.
Variant type: single nucleotide variant.
Coding change: c.3867A>G on transcript NM_018489.3 (MANE Select); coding-DNA position 3867, A replaced by G.
Protein change: p.Ala1289=; no amino-acid change (alanine 1289 retained).
Molecular consequence: synonymous variant.
Genome position (GRCh38, 1-based): chr1:155,479,003, T>C on the plus strand (A>G on the coding strand, the complement: ASH1L is on the minus strand). VCF-style: chr1-155479003-T-C. GRCh37 (hg19) VCF-style: chr1-155448794-T-C.
Other names: c.3867A>G, p.Ala1289= (NM_001366177.2).
Identifiers: ClinVar variation 3351822 (VCV003351822.2).